The following is an entry in ClinVar:

ClinVar aggregate classification (germline): Uncertain significance (1 of 4 stars; one submission).

Conditions:
Immunodeficiency, common variable, 1. Also called: ANTIBODY DEFICIENCY DUE TO ICOS DEFECT. Identifiers: Orphanet 1572, Orphanet 695183, MedGen C3149378, MONDO:0011864, OMIM 607594.

Allele frequency attached by ClinVar (database versions not stated): gnomAD exomes 0.00001.
gnomAD v4.1: 14 of 1,612,398 alleles (0.00087%); highest among the groups gnomAD compares: Non-Finnish European, 0.001%; no homozygotes.

Submission:

Labcorp Genetics (formerly Invitae), Labcorp
Classification: Uncertain significance for Immunodeficiency, common variable, 1. Last evaluated: 2021-04-14. Review status: criteria provided, single submitter. Criteria: Invitae Variant Classification Sherloc (09022015). Collection method: clinical testing. Allele origin: germline.
Comment: In summary, the available evidence is currently insufficient to determine the role of this variant in disease. Therefore, it has been classified as a Variant of Uncertain Significance. Algorithms developed to predict the effect of missense changes on protein structure and function are either unavailable or do not agree on the potential impact of this missense change (SIFT: "Deleterious"; PolyPhen-2: "Possibly Damaging"; Align-GVGD: "Class C0"). This variant has not been reported in the literature in individuals with ICOS-related conditions. This variant is not present in population databases (ExAC no frequency). This sequence change replaces serine with glycine at codon 172 of the ICOS protein (p.Ser172Gly). The serine residue is highly conserved and there is a small physicochemical difference between serine and glycine.

NM_012092.4(ICOS):c.514A>G (p.Ser172Gly)

Gene: ICOS (inducible T cell costimulator; plus strand). Cytogenetic location: 2q33.2.
Variant type: single nucleotide variant.
Coding change: c.514A>G on transcript NM_012092.4 (MANE Select); coding-DNA position 514, A replaced by G.
Protein change: p.Ser172Gly; replaces serine 172 with glycine.
Molecular consequence: missense variant.
Genome position (GRCh38, 1-based): chr2:203,957,811, A>G. VCF-style: chr2-203957811-A-G. GRCh37 (hg19) VCF-style: chr2-204822534-A-G.
Other names: short protein forms S172G.
Identifiers: ClinVar variation 1360187 (VCV001360187.8), dbSNP rs2105755531, ClinGen allele CA350140604.